The following is an entry in ClinVar:

ClinVar aggregate classification (germline): Uncertain significance (1 of 4 stars; one submission).

Conditions:
Hereditary breast ovarian cancer syndrome. Also called: Hereditary breast and/or ovarian cancer syndrome; Hereditary breast and ovarian cancer; Hereditary breast and ovarian cancer syndrome; Breast and ovarian cancer; Hereditary breast and ovarian cancer syndrome (HBOC); BRCA1- and BRCA2-Associated Hereditary Breast and Ovarian Cancer. Identifiers: Orphanet 145, MedGen C0677776, MeSH D061325, MONDO:0003582. Disease mechanism: loss of function.

Submission:

Labcorp Genetics (formerly Invitae), Labcorp
Classification: Uncertain significance for Hereditary breast ovarian cancer syndrome. Last evaluated: 2022-12-26. Review status: criteria provided, single submitter. Criteria: Invitae Variant Classification Sherloc (09022015). Collection method: clinical testing. Allele origin: germline.
Comment: In summary, the available evidence is currently insufficient to determine the role of this variant in disease. Therefore, it has been classified as a Variant of Uncertain Significance. Advanced modeling of protein sequence and biophysical properties (such as structural, functional, and spatial information, amino acid conservation, physicochemical variation, residue mobility, and thermodynamic stability) performed at Invitae indicates that this missense variant is not expected to disrupt BRCA2 protein function. This variant has not been reported in the literature in individuals affected with BRCA2-related conditions. This variant is not present in population databases (gnomAD no frequency). This sequence change replaces aspartic acid, which is acidic and polar, with histidine, which is basic and polar, at codon 1899 of the BRCA2 protein (p.Asp1899His).

NM_000059.4(BRCA2):c.5695G>C (p.Asp1899His)

Gene: BRCA2 (BRCA2 DNA repair associated; plus strand). Cytogenetic location: 13q13.1.
Variant type: single nucleotide variant.
Coding change: c.5695G>C on transcript NM_000059.4 (MANE Select); coding-DNA position 5695, G replaced by C.
Protein change: p.Asp1899His; replaces aspartic acid 1899 with histidine.
Molecular consequence: missense variant. On other transcripts: non-coding transcript variant (1), intron variant (2).
Genome position (GRCh38, 1-based): chr13:32,340,050, G>C. VCF-style: chr13-32340050-G-C. GRCh37 (hg19) VCF-style: chr13-32914187-G-C.
Other names: c.5695G>C, p.Asp1899His (NM_001406719.1, NM_001406720.1); c.1910-4508G>C (NM_001406721.1); c.425-4508G>C (NM_001406722.1); short protein forms D1899H.
Identifiers: ClinVar variation 2824370 (VCV002824370.3), dbSNP rs371189402, ClinGen allele CA387786690.